The following is an entry in ClinVar:

ClinVar aggregate classification (germline): Uncertain significance. Review status: criteria provided, multiple submitters, no conflicts (2 of 4 stars). 7 submissions from 7 submitters: Uncertain significance (7). Last evaluated 2026-02-01.

Conditions:
Lynch syndrome. Identifiers: Orphanet 144, MedGen C4552100, MONDO:0005835. Disease mechanism: loss of function.
Hereditary nonpolyposis colorectal neoplasms. Identifiers: MedGen C0009405, MeSH D003123.
Hereditary cancer-predisposing syndrome. Also called: Neoplastic Syndromes, Hereditary; Tumor predisposition; Hereditary neoplastic syndrome; Hereditary Cancer Syndrome. Identifiers: Orphanet 140162, MedGen C0027672, MeSH D009386, MONDO:0015356.

Allele frequency attached by ClinVar (database versions not stated): gnomAD exomes below 0.00001; TOPMed 0.00001.
gnomAD v4.1: 6 of 1,614,116 alleles (0.00037%); highest among the groups gnomAD compares: Admixed American, 0.0017%; no homozygotes.

Submissions (7):

Labcorp Genetics (formerly Invitae), Labcorp
Classification: Uncertain significance for Hereditary nonpolyposis colorectal neoplasms. Last evaluated: 2026-02-01. Review status: criteria provided, single submitter. Criteria: Invitae Variant Classification Sherloc (09022015). Collection method: clinical testing. Allele origin: germline.
Comment: This sequence change replaces glutamic acid, which is acidic and polar, with glycine, which is neutral and non-polar, at codon 504 of the PMS2 protein (p.Glu504Gly). This variant is present in population databases (no rsID available, gnomAD 0.0009%). This missense change has been observed in individual(s) with breast and/or ovarian cancer (PMID: 35451682). ClinVar contains an entry for this variant (Variation ID: 455656). Invitae Evidence Modeling incorporating data from in vitro experimental studies (internal data) indicates that this missense variant is not expected to disrupt PMS2 function with a negative predictive value of 95%. In summary, the available evidence is currently insufficient to determine the role of this variant in disease. Therefore, it has been classified as a Variant of Uncertain Significance.

Dasa
Classification: Uncertain significance. Last evaluated: 2025-10-27. Review status: criteria provided, single submitter. Criteria: DASA Assertion Criteria. Collection method: clinical testing. Allele origin: germline.
Comment: NM_000535.7(PMS2):c.1511A>G (p.Glu504Gly) is a missense variant that results in the substitution of glutamic acid with glycine. This variant is rare in population databases. Computational prediction algorithms are consistent with a benign effect. The currently available literature and clinical evidence are not sufficient to establish a definitive association between this variant and the reported condition. Therefore, this variant is classified as a variant of uncertain significance.

Quest Diagnostics Nichols Institute San Juan Capistrano
Classification: Uncertain significance. Last evaluated: 2024-12-04. Review status: criteria provided, single submitter. Criteria: Quest Diagnostics criteria. Collection method: clinical testing. Allele origin: unknown.
Comment: The PMS2 c.1511A>G (p.Glu504Gly) variant has not been reported in individuals with PMS2-related conditions in the published literature. The frequency of this variant in the general population (Genome Aggregation Database) is uninformative in the assessment of its pathogenicity. Analysis of this variant using bioinformatics tools for the prediction of the effect of amino acid changes on protein structure and function yielded predictions that this variant is benign. Based on the available information, we are unable to determine the clinical significance of this variant.

Ambry Genetics
Classification: Uncertain significance for Hereditary cancer-predisposing syndrome. Last evaluated: 2024-04-19. Review status: criteria provided, single submitter. Criteria: Ambry Variant Classification Scheme 2023. Collection method: clinical testing. Allele origin: germline.
Comment: The p.E504G variant (also known as c.1511A>G), located in coding exon 11 of the PMS2 gene, results from an A to G substitution at nucleotide position 1511. The glutamic acid at codon 504 is replaced by glycine, an amino acid with similar properties. This amino acid position is not well conserved in available vertebrate species. In addition, this alteration is predicted to be tolerated by in silico analysis. Based on the available evidence, the clinical significance of this variant remains unclear.

Color Diagnostics, LLC DBA Color Health
Classification: Uncertain significance for Hereditary cancer-predisposing syndrome. Last evaluated: 2024-03-06. Review status: criteria provided, single submitter. Criteria: ACMG Guidelines, 2015. Collection method: clinical testing. Allele origin: germline.
Comment: This missense variant replaces glutamic acid with glycine at codon 504 of the PMS2 protein. Computational prediction suggests that this variant may not impact protein structure and function (internally defined REVEL score threshold <= 0.5, PMID: 27666373). To our knowledge, functional studies have not been reported for this variant. This variant has not been reported in individuals affected with hereditary cancer in the literature. This variant has been identified in 1/251394 chromosomes in the general population by the Genome Aggregation Database (gnomAD). The available evidence is insufficient to determine the role of this variant in disease conclusively. Therefore, this variant is classified as a Variant of Uncertain Significance.

All of Us Research Program, National Institutes of Health
Classification: Uncertain significance for Lynch syndrome. Last evaluated: 2023-12-01. Review status: criteria provided, single submitter. Criteria: ACMG Guidelines, 2015. Collection method: clinical testing. Allele origin: germline. Inheritance: Autosomal dominant inheritance. Observed: 1 variant allele, 1 heterozygote.
Comment: This missense variant replaces glutamic acid with glycine at codon 504 of the PMS2 protein. Computational prediction suggests that this variant may not impact protein structure and function (internally defined REVEL score threshold <= 0.5, PMID: 27666373). To our knowledge, functional studies have not been reported for this variant. This variant has not been reported in individuals affected with hereditary cancer in the literature. This variant has been identified in 1/251394 chromosomes in the general population by the Genome Aggregation Database (gnomAD). The available evidence is insufficient to determine the role of this variant in disease conclusively. Therefore, this variant is classified as a Variant of Uncertain Significance.

This study involves interpretation of variants in research participants for the purpose of population health screening. Participant phenotype was not available at the time of variant classification. Additional details can be found in publication PMID: 35346344, PMCID: PMC8962531

Mendelics
Classification: Uncertain significance for Lynch syndrome. Last evaluated: 2018-07-02. Review status: criteria provided, single submitter. Criteria: Mendelics Assertion Criteria 2017. Collection method: clinical testing. Allele origin: unknown.

Literature cited by the submitters: PubMed 35451682 (cited by Labcorp Genetics (formerly Invitae), Labcorp).

NM_000535.7(PMS2):c.1511A>G (p.Glu504Gly)

Gene: PMS2 (PMS1 homolog 2, mismatch repair system component; minus strand). Cytogenetic location: 7p22.1.
Variant type: single nucleotide variant.
Coding change: c.1511A>G on transcript NM_000535.7 (MANE Select); coding-DNA position 1511, A replaced by G.
Protein change: p.Glu504Gly; replaces glutamic acid 504 with glycine.
Molecular consequence: missense variant. On other transcripts: non-coding transcript variant (1).
Genome position (GRCh38, 1-based): chr7:5,987,254, T>C on the plus strand (A>G on the coding strand, the complement: PMS2 is on the minus strand). VCF-style: chr7-5987254-T-C. GRCh37 (hg19) VCF-style: chr7-6026885-T-C.
Other names: c.1106A>G, p.Glu369Gly (NM_001322003.2, NM_001322004.2, NM_001322005.2 and 1 more transcripts); c.1355A>G, p.Glu452Gly (NM_001322006.2); c.1193A>G, p.Glu398Gly (NM_001322007.2, NM_001322008.2); c.950A>G, p.Glu317Gly (NM_001322010.2); c.578A>G, p.Glu193Gly (NM_001322011.2, NM_001322012.2); c.938A>G, p.Glu313Gly (NM_001322013.2); c.1511A>G, p.Glu504Gly (NM_001322014.2); c.1202A>G, p.Glu401Gly (NM_001322015.2); short protein forms E504G, E313G, E317G, E401G, E452G, E193G, E369G, E398G.
Identifiers: ClinVar variation 455656 (VCV000455656.27), dbSNP rs1254121331, ClinGen allele CA366741725.